The following is an entry in ClinVar:

ClinVar aggregate classification (germline): Uncertain significance (1 of 4 stars; one submission).

Submission:

Labcorp Genetics (formerly Invitae), Labcorp
Classification: Uncertain significance. Last evaluated: 2024-11-11. Review status: criteria provided, single submitter. Criteria: Invitae Variant Classification Sherloc (09022015). Collection method: clinical testing. Allele origin: germline.
Comment: This sequence change replaces arginine, which is basic and polar, with serine, which is neutral and polar, at codon 578 of the NOTCH3 protein (p.Arg578Ser). This variant is not present in population databases (gnomAD no frequency). This variant has not been reported in the literature in individuals affected with NOTCH3-related conditions. ClinVar contains an entry for this variant (Variation ID: 2000523). Invitae Evidence Modeling of protein sequence and biophysical properties (such as structural, functional, and spatial information, amino acid conservation, physicochemical variation, residue mobility, and thermodynamic stability) has been performed for this missense variant. However, the output from this modeling did not meet the statistical confidence thresholds required to predict the impact of this variant on NOTCH3 protein function. This variant disrupts the p.Arg578 amino acid residue in NOTCH3. Other variant(s) that disrupt this residue have been determined to be pathogenic (PMID: 8878478, 17135568, 19153638, 20038773, 30311053, 31554780; internal data). This suggests that this residue is clinically significant, and that variants that disrupt this residue are likely to be disease-causing. In summary, the available evidence is currently insufficient to determine the role of this variant in disease. Therefore, it has been classified as a Variant of Uncertain Significance.

Literature cited by the submitters: PubMed 8878478; PubMed 17135568; PubMed 19153638; PubMed 20038773; PubMed 30311053; PubMed 31554780.

NM_000435.3(NOTCH3):c.1732C>A (p.Arg578Ser)

Gene: NOTCH3 (notch receptor 3; minus strand). Cytogenetic location: 19p13.12.
Variant type: single nucleotide variant.
Coding change: c.1732C>A on transcript NM_000435.3 (MANE Select); coding-DNA position 1732, C replaced by A.
Protein change: p.Arg578Ser; replaces arginine 578 with serine.
Molecular consequence: missense variant.
Genome position (GRCh38, 1-based): chr19:15,187,213, G>T on the plus strand (C>A on the coding strand, the complement: NOTCH3 is on the minus strand). VCF-style: chr19-15187213-G-T. GRCh37 (hg19) VCF-style: chr19-15298024-G-T.
Other names: short protein forms R578S.
Identifiers: ClinVar variation 2000523 (VCV002000523.4), dbSNP rs769773673, ClinGen allele CA404525043.